The following is an entry in ClinVar:

NM_001130823.3(DNMT1):c.19C>T (p.Pro7Ser)

Genes: DNMT1 (DNA methyltransferase 1; minus strand), LOC130063472 (ATAC-STARR-seq lymphoblastoid silent region 10057; plus strand). Cytogenetic location: 19p13.2.
Variant type: single nucleotide variant.
Coding change: c.19C>T on transcript NM_001130823.3 (MANE Select); coding-DNA position 19, C replaced by T.
Protein change: p.Pro7Ser; replaces proline 7 with serine.
Molecular consequence: missense variant. On other transcripts: 5 prime UTR variant (1).
Genome position (GRCh38, 1-based): chr19:10,194,881, G>A on the plus strand (C>T on the coding strand, the complement: DNMT1 is on the minus strand). VCF-style: chr19-10194881-G-A. GRCh37 (hg19) VCF-style: chr19-10305557-G-A.
Other names: c.19C>T, p.Pro7Ser (NM_001318730.2, NM_001379.4); c.-305C>T (NM_001318731.2); short protein forms P7S.
Identifiers: ClinVar variation 1354952 (VCV001354952.6), dbSNP rs766984573, ClinGen allele CA9188885.

ClinVar aggregate classification (germline): Uncertain significance (1 of 4 stars; one submission).

Conditions:
Hereditary sensory neuropathy-deafness-dementia syndrome. Also called: NEUROPATHY, HEREDITARY SENSORY, WITH HEARING LOSS AND DEMENTIA; Hereditary Sensory and Autonomic Neuropathy Type 1E (HSAN1E); Hereditary sensory neuropathy type IE; HSN IE. Identifiers: Orphanet 456318, MedGen C3279885, MONDO:0013584, OMIM 614116.

Allele frequency attached by ClinVar (database versions not stated): gnomAD exomes 0.00001 and 0.00002; TOPMed 0.00001; ExAC 0.00002.

Submission:

Labcorp Genetics (formerly Invitae), Labcorp
Classification: Uncertain significance for Hereditary sensory neuropathy-deafness-dementia syndrome. Last evaluated: 2022-02-24. Review status: criteria provided, single submitter. Criteria: Invitae Variant Classification Sherloc (09022015). Collection method: clinical testing. Allele origin: germline.
Comment: This sequence change replaces proline, which is neutral and non-polar, with serine, which is neutral and polar, at codon 7 of the DNMT1 protein (p.Pro7Ser). In summary, the available evidence is currently insufficient to determine the role of this variant in disease. Therefore, it has been classified as a Variant of Uncertain Significance. Algorithms developed to predict the effect of missense changes on protein structure and function are either unavailable or do not agree on the potential impact of this missense change (SIFT: "Deleterious"; PolyPhen-2: "Probably Damaging"; Align-GVGD: "Class C0"). This variant has not been reported in the literature in individuals affected with DNMT1-related conditions. This variant is present in population databases (rs766984573, gnomAD 0.01%).